The following is an entry in ClinVar:

NM_001145809.2(MYH14):c.911A>G (p.Lys304Arg)

Genes: MYH14 (myosin heavy chain 14; plus strand), LOC121852992 (Sharpr-MPRA regulatory region 11309; plus strand). Cytogenetic location: 19q13.33.
Variant type: single nucleotide variant.
Coding change: c.911A>G on transcript NM_001145809.2 (MANE Select); coding-DNA position 911, A replaced by G.
Protein change: p.Lys304Arg; replaces lysine 304 with arginine.
Molecular consequence: missense variant.
Genome position (GRCh38, 1-based): chr19:50,230,561, A>G. VCF-style: chr19-50230561-A-G. GRCh37 (hg19) VCF-style: chr19-50733818-A-G.
Other names: c.911A>G, p.Lys304Arg (NM_001077186.2); c.887A>G, p.Lys296Arg (NM_024729.4); short protein forms K296R, K304R.
Identifiers: ClinVar variation 2501479 (VCV002501479.1), dbSNP rs2514320073, ClinGen allele CA406953616.

ClinVar aggregate classification (germline): Uncertain significance (1 of 4 stars; one submission).

Allele frequency attached by ClinVar (database versions not stated): gnomAD exomes below 0.00001.
gnomAD v4.1: 1 of 1,571,476 alleles (0.000064%); highest among the groups gnomAD compares: African/African-American, 0.0013%; no homozygotes.

Submission:

GeneDx
Classification: Uncertain significance. Last evaluated: 2022-11-02. Review status: criteria provided, single submitter. Criteria: GeneDx Variant Classification Process June 2021. Collection method: clinical testing. Allele origin: germline. Affected: yes.
Comment: Not observed at significant frequency in large population cohorts (gnomAD); In silico analysis supports that this missense variant does not alter protein structure/function; Has not been previously published as pathogenic or benign to our knowledge